The following is an entry in ClinVar:

NM_000528.4(MAN2B1):c.2803G>A (p.Val935Ile)

Gene: MAN2B1 (mannosidase alpha class 2B member 1; minus strand). Cytogenetic location: 19p13.13.
Variant type: single nucleotide variant.
Coding change: c.2803G>A on transcript NM_000528.4 (MANE Select); coding-DNA position 2803, G replaced by A.
Protein change: p.Val935Ile; replaces valine 935 with isoleucine.
Molecular consequence: missense variant.
Genome position (GRCh38, 1-based): chr19:12,647,460, C>T on the plus strand (G>A on the coding strand, the complement: MAN2B1 is on the minus strand). VCF-style: chr19-12647460-C-T. GRCh37 (hg19) VCF-style: chr19-12758274-C-T.
Other names: c.2800G>A, p.Val934Ile (NM_001173498.2); short protein forms V935I, V934I.
Identifiers: ClinVar variation 1414878 (VCV001414878.3), dbSNP rs765269491, ClinGen allele CA9225921.
Genomic context (GRCh38, chr19:12,647,460, plus strand): 5'-TCTTGCCTCTCTCCGATCTCCTTCTCAATTTTGCCCTTCTCACCCTCAAGTTCAAGGTAA[C>T]GGGGGCGCTCAGGTTACGTCCGGAATCCTCTCCTACGGCAAACTGGTGCTCCAAGCGCAG-3'
Protein context (NP_000519.2, residues 925-945): EDSGRNLSAP[Val935Ile]TLNLRDLFST

ClinVar aggregate classification (germline): Uncertain significance (1 of 4 stars; one submission).

Conditions:
Deficiency of alpha-mannosidase (MANSA). Also called: Alpha-Mannosidosis; LYSOSOMAL ALPHA-D-MANNOSIDASE DEFICIENCY; Mannosidosis, alpha-, types I and II. Identifiers: Orphanet 61, MedGen C0024748, MONDO:0009561, OMIM 248500.

Allele frequency attached by ClinVar (database versions not stated): ExAC 0.00001; gnomAD exomes 0.00001.
gnomAD v4.1: 2 of 1,614,210 alleles (0.00012%); highest among the groups gnomAD compares: Admixed American, 0.0033%; no homozygotes.

Submission:

Labcorp Genetics (formerly Invitae), Labcorp
Classification: Uncertain significance for Deficiency of alpha-mannosidase. Last evaluated: 2021-10-24. Review status: criteria provided, single submitter. Criteria: Invitae Variant Classification Sherloc (09022015). Collection method: clinical testing. Allele origin: germline.
Comment: This sequence change replaces valine with isoleucine at codon 935 of the MAN2B1 protein (p.Val935Ile). The valine residue is highly conserved and there is a small physicochemical difference between valine and isoleucine. This variant is present in population databases (rs765269491, ExAC 0.009%). This variant has not been reported in the literature in individuals with MAN2B1-related conditions. Algorithms developed to predict the effect of missense changes on protein structure and function are either unavailable or do not agree on the potential impact of this missense change (SIFT: "Tolerated"; PolyPhen-2: "Possibly Damaging"; Align-GVGD: "Class C0"). In summary, the available evidence is currently insufficient to determine the role of this variant in disease. Therefore, it has been classified as a Variant of Uncertain Significance.